The following is an entry in ClinVar:

NM_000432.4(MYL2):c.3+218del

Genes: MYL2 (myosin light chain 2; minus strand), LOC114827850 (VISTA enhancer hs2149; plus strand). Cytogenetic location: 12q24.11.
Variant type: Deletion.
Coding change: c.3+218del on transcript NM_000432.4 (MANE Select); 218 bases into the intron after coding-DNA position 3, one base deleted (A; older notation c.3+218delA).
Molecular consequence: intron variant.
Genome position (GRCh38, 1-based): chr12:110,920,309, T deleted on the plus strand (A on the coding strand, the reverse complement: MYL2 is on the minus strand); the first of 4 consecutive T bases (chr12:110,920,309-110,920,312); deleting any one gives the same sequence. VCF-style (leftmost placement, unchanged base first): chr12-110920308-AT-A. GRCh37 (hg19) VCF-style: chr12-111358112-AT-A.
Identifiers: ClinVar variation 672785 (VCV000672785.1), dbSNP rs3216816, ClinGen allele CA243566582.

ClinVar aggregate classification (germline): Benign (1 of 4 stars; one submission).

Submission:

GeneDx
Classification: Benign. Last evaluated: 2018-06-14. Review status: criteria provided, single submitter. Criteria: GeneDx Variant Classification (06012015). Collection method: clinical testing. Allele origin: germline. Affected: yes.
Comment: This variant is considered likely benign or benign based on one or more of the following criteria: it is a conservative change, it occurs at a poorly conserved position in the protein, it is predicted to be benign by multiple in silico algorithms, and/or has population frequency not consistent with disease.